The following is an entry in ClinVar:

NM_173546.3(KLHDC8B):c.122G>A (p.Arg41Gln)

Gene: KLHDC8B (kelch domain containing 8B; plus strand). Cytogenetic location: 3p21.31.
Variant type: single nucleotide variant.
Coding change: c.122G>A on transcript NM_173546.3 (MANE Select); coding-DNA position 122, G replaced by A.
Protein change: p.Arg41Gln; replaces arginine 41 with glutamine.
Molecular consequence: missense variant.
Genome position (GRCh38, 1-based): chr3:49,172,891, G>A. VCF-style: chr3-49172891-G-A. GRCh37 (hg19) VCF-style: chr3-49210324-G-A.
Other names: short protein forms R41Q.
Identifiers: ClinVar variation 2180341 (VCV002180341.4), dbSNP rs373852462, ClinGen allele CA2395435.

ClinVar aggregate classification (germline): Uncertain significance (1 of 4 stars; one submission).

Allele frequency attached by ClinVar (database versions not stated): gnomAD exomes 0.00001; ExAC 0.00004; TOPMed 0.00005; gnomAD 0.00006; ESP Exome Variant Server 0.00008.
gnomAD v4.1: 22 of 1,614,096 alleles (0.0014%); highest among the groups gnomAD compares: African/African-American, 0.017%; no homozygotes.

Submission:

Labcorp Genetics (formerly Invitae), Labcorp
Classification: Uncertain significance. Last evaluated: 2024-11-15. Review status: criteria provided, single submitter. Criteria: Invitae Variant Classification Sherloc (09022015). Collection method: clinical testing. Allele origin: germline.
Comment: This sequence change replaces arginine, which is basic and polar, with glutamine, which is neutral and polar, at codon 41 of the KLHDC8B protein (p.Arg41Gln). This variant is present in population databases (rs373852462, gnomAD 0.02%). This variant has not been reported in the literature in individuals affected with KLHDC8B-related conditions. ClinVar contains an entry for this variant (Variation ID: 2180341). An algorithm developed to predict the effect of missense changes on protein structure and function outputs the following: PolyPhen-2: "Benign". The glutamine amino acid residue is found in multiple mammalian species, which suggests that this missense change does not adversely affect protein function. In summary, the available evidence is currently insufficient to determine the role of this variant in disease. Therefore, it has been classified as a Variant of Uncertain Significance.